The following is an entry in ClinVar:

NM_020631.6(PLEKHG5):c.2458G>C (p.Gly820Arg)

Gene: PLEKHG5 (pleckstrin homology and RhoGEF domain containing G5; minus strand). Cytogenetic location: 1p36.31.
Variant type: single nucleotide variant.
Coding change: c.2458G>C on transcript NM_020631.6 (MANE Select); coding-DNA position 2458, G replaced by C.
Protein change: p.Gly820Arg; replaces glycine 820 with arginine.
Molecular consequence: missense variant.
Genome position (GRCh38, 1-based): chr1:6,468,378, C>G on the plus strand (G>C on the coding strand, the complement: PLEKHG5 is on the minus strand). VCF-style: chr1-6468378-C-G. GRCh37 (hg19) VCF-style: chr1-6528438-C-G.
Other names: c.2569G>C, p.Gly857Arg (NM_001042663.3, NM_001265592.2); c.2458G>C, p.Gly820Arg (NM_001042664.2, NM_001042665.2, NM_001265594.3 and 1 more transcripts); c.2665G>C, p.Gly889Arg (NM_001265593.2); short protein forms G820R, G889R, G857R.
Identifiers: ClinVar variation 60779 (VCV000060779.5), dbSNP rs202191898, ClinGen allele CA144676.
Genomic context (GRCh38, chr1:6,468,378, plus strand): 5'-CTAGCTCTGCCATTGGGCCTGGGGCCACAAAGTCTTGTAAGGAGGTTGGGGAGAGGGTGC[C>G]GTAGGCAGAGTCCATGGAGCAGGAGCGGCCGTCCACCGGACCCAGGGGCAGCAGCTCACT-3'
Protein context (NP_065682.2, residues 810-830): GRSCSMDSAY[Gly820Arg]TLSPTSLQDF

ClinVar aggregate classification (germline): Uncertain significance. Review status: criteria provided, multiple submitters, no conflicts (2 of 4 stars). 4 submissions from 4 submitters: Uncertain significance (3). 1 of the submissions does not count toward it. Last evaluated 2024-04-19.

Conditions:
Neuronopathy, distal hereditary motor, autosomal recessive 4. Also called: Autosomal recessive lower motor neuron disease with childhood onset; NEUROPATHY, DISTAL HEREDITARY MOTOR, AUTOSOMAL RECESSIVE 4. Identifiers: Orphanet 206580, MedGen C1970211, MONDO:0012608, OMIM 611067.
Charcot-Marie-Tooth disease recessive intermediate C. Also called: CHARCOT-MARIE-TOOTH NEUROPATHY, RECESSIVE INTERMEDIATE C. Identifiers: Orphanet 369867, MedGen C3809309, MONDO:0014154, OMIM 615376.

gnomAD v4.1: 26 of 1,609,750 alleles (0.0016%); highest among the groups gnomAD compares: East Asian, 0.058%; no homozygotes.

Submissions (4):

Women's Health and Genetics/Laboratory Corporation of America, LabCorp
Classification: Uncertain significance. Last evaluated: 2024-04-19. Review status: criteria provided, single submitter. Criteria: LabCorp Variant Classification Summary - May 2015. Collection method: clinical testing. Allele origin: germline.
Comment: Variant summary: PLEKHG5 c.2458G>C (p.Gly820Arg) results in a non-conservative amino acid change in the encoded protein sequence. Three of four in-silico tools predict a damaging effect of the variant on protein function. The variant allele was found at a frequency of 2.9e-05 in 238782 control chromosomes. The available data on variant occurrences in the general population are insufficient to allow any conclusion about variant significance. c.2458G>C has been reported in the literature in individuals affected with Charcot-Marie-Tooth disease (Kim_2013). These report(s) do not provide unequivocal conclusions about association of the variant with Distal Spinal Muscular Atrophy, Autosomal Recessive 4. To our knowledge, no experimental evidence demonstrating an impact on protein function has been reported. The following publication have been ascertained in the context of this evaluation (PMID: 23844677). ClinVar contains an entry for this variant (Variation ID: 60779). Based on the evidence outlined above, the variant was classified as uncertain significance.

Department of Pathology and Laboratory Medicine, Sinai Health System
Classification: Uncertain significance for Neuronopathy, distal hereditary motor, autosomal recessive 4; Charcot-Marie-Tooth disease recessive intermediate C. Last evaluated: 2022-05-10. Review status: criteria provided, single submitter. Criteria: ACMG Guidelines, 2015. Collection method: research. Allele origin: germline.

Labcorp Genetics (formerly Invitae), Labcorp
Classification: Uncertain significance for Neuronopathy, distal hereditary motor, autosomal recessive 4; Charcot-Marie-Tooth disease recessive intermediate C. Last evaluated: 2022-01-11. Review status: criteria provided, single submitter. Criteria: Invitae Variant Classification Sherloc (09022015). Collection method: clinical testing. Allele origin: germline.
Comment: This sequence change replaces glycine, which is neutral and non-polar, with arginine, which is basic and polar, at codon 820 of the PLEKHG5 protein (p.Gly820Arg). This variant is present in population databases (rs202191898, gnomAD 0.04%). This missense change has been observed in individual(s) with clinical features of Charcot-Marie-Tooth disease (PMID: 23844677). ClinVar contains an entry for this variant (Variation ID: 60779). Algorithms developed to predict the effect of missense changes on protein structure and function are either unavailable or do not agree on the potential impact of this missense change (SIFT: "Deleterious"; PolyPhen-2: "Probably Damaging"; Align-GVGD: "Class C0"). Experimental studies have shown that this missense change affects PLEKHG5 function (PMID: 23844677). In summary, the available evidence is currently insufficient to determine the role of this variant in disease. Therefore, it has been classified as a Variant of Uncertain Significance.

OMIM
Classification: Pathogenic for CHARCOT-MARIE-TOOTH DISEASE, RECESSIVE INTERMEDIATE C. Last evaluated: 2013-07-12. Review status: no assertion criteria provided. Collection method: literature only. Allele origin: germline. Not counted in ClinVar's aggregate classification.

Literature cited by the submitters: PubMed 23844677 (cited by 3 submitters).